The following is an entry in ClinVar:

NM_000260.4(MYO7A):c.5912_5914del (p.Asp1971_Trp1972delinsGly)

Gene: MYO7A (myosin VIIA; plus strand). Cytogenetic location: 11q13.5.
Variant type: Deletion.
Coding change: c.5912_5914del on transcript NM_000260.4 (MANE Select); coding-DNA positions 5912 to 5914, 3 bases deleted (ACT; older notation c.5912_5914delACT).
Protein change: p.Asp1971_Trp1972delinsGly.
Molecular consequence: inframe indel.
Genome position (GRCh38, 1-based): chr11:77,208,485-77,208,487, ACT deleted. VCF-style (leftmost placement, unchanged base first): chr11-77208484-GACT-G. GRCh37 (hg19) VCF-style: chr11-76919529-GACT-G.
Other names: c.5798_5800del, p.Asp1933_Trp1934delinsGly (NM_001127180.2); c.5765_5767del, p.Asp1922_Trp1923delinsGly (NM_001369365.1).
Identifiers: ClinVar variation 1469842 (VCV001469842.5), dbSNP rs2135758471, ClinGen allele CA475791618.

ClinVar aggregate classification (germline): Uncertain significance (1 of 4 stars; one submission).

Submission:

Labcorp Genetics (formerly Invitae), Labcorp
Classification: Uncertain significance. Last evaluated: 2021-08-31. Review status: criteria provided, single submitter. Criteria: Invitae Variant Classification Sherloc (09022015). Collection method: clinical testing. Allele origin: germline.
Comment: This variant, c.5912_5914del, is a complex sequence change that results in the deletion of 2 and insertion of 1 amino acid(s) in the MYO7A protein (p.Asp1971_Trp1972delinsGly). This variant is not present in population databases (ExAC no frequency). This variant has not been reported in the literature in individuals affected with MYO7A-related conditions. Algorithms developed to predict the effect of sequence changes on RNA splicing suggest that this variant may create or strengthen a splice site. In summary, the available evidence is currently insufficient to determine the role of this variant in disease. Therefore, it has been classified as a Variant of Uncertain Significance.